The following is an entry in ClinVar:

NM_001101.5(ACTB):c.240C>G (p.Asp80Glu)

Gene: ACTB (actin beta; minus strand). Cytogenetic location: 7p22.1.
Variant type: single nucleotide variant.
Coding change: c.240C>G on transcript NM_001101.5 (MANE Select); coding-DNA position 240, C replaced by G.
Protein change: p.Asp80Glu; replaces aspartic acid 80 with glutamic acid.
Molecular consequence: missense variant.
Genome position (GRCh38, 1-based): chr7:5,529,284, G>C on the plus strand (C>G on the coding strand, the complement: ACTB is on the minus strand). VCF-style: chr7-5529284-G-C. GRCh37 (hg19) VCF-style: chr7-5568915-G-C.
Other names: short protein forms D80E.
Identifiers: ClinVar variation 1508644 (VCV001508644.8), dbSNP rs2128241399, ClinGen allele CA366704735.

ClinVar aggregate classification (germline): Uncertain significance (1 of 4 stars; one submission).

Conditions:
Baraitser-Winter syndrome 1 (BRWS1). Also called: BARAITSER-WINTER SYNDROME 1, ATYPICAL; PACHYGYRIA, MENTAL RETARDATION, EPILEPSY, AND CHARACTERISTIC FACIES; MENTAL RETARDATION WITH EPILEPSY AND CHARACTERISTIC FACIES; Cerebrofrontofacial syndrome. Identifiers: Orphanet 2649, Orphanet 2995, MedGen C1855722, MONDO:0009470, OMIM 243310.

Submission:

Labcorp Genetics (formerly Invitae), Labcorp
Classification: Uncertain significance for Baraitser-Winter syndrome 1. Last evaluated: 2021-05-27. Review status: criteria provided, single submitter. Criteria: Invitae Variant Classification Sherloc (09022015). Collection method: clinical testing. Allele origin: germline.
Comment: In summary, the available evidence is currently insufficient to determine the role of this variant in disease. Therefore, it has been classified as a Variant of Uncertain Significance. Algorithms developed to predict the effect of missense changes on protein structure and function are either unavailable or do not agree on the potential impact of this missense change (SIFT: "Deleterious"; PolyPhen-2: "Benign"; Align-GVGD: "Class C35"). This variant has not been reported in the literature in individuals with ACTB-related conditions. This variant is not present in population databases (ExAC no frequency). This sequence change replaces aspartic acid with glutamic acid at codon 80 of the ACTB protein (p.Asp80Glu). The aspartic acid residue is highly conserved and there is a small physicochemical difference between aspartic acid and glutamic acid.